The following is an entry in ClinVar:

ClinVar aggregate classification (germline): Likely benign. Review status: criteria provided, multiple submitters, no conflicts (2 of 4 stars). 2 submissions from 2 submitters: Likely benign (2). Last evaluated 2025-02-01.

Allele frequency attached by ClinVar (database versions not stated): gnomAD exomes 0.00002; ExAC 0.00012; gnomAD 0.00033; ESP Exome Variant Server 0.00038; TOPMed 0.00039.
gnomAD v4.1: 77 of 1,614,066 alleles (0.0048%); highest among the groups gnomAD compares: African/African-American, 0.096%; no homozygotes.

Submissions (2):

CeGaT Center for Human Genetics Tuebingen
Classification: Likely benign. Last evaluated: 2025-02-01. Review status: criteria provided, single submitter. Criteria: CeGaT Center For Human Genetics Tuebingen Variant Classification Criteria Version 2. Collection method: clinical testing. Allele origin: germline. Affected: yes. Observed: 1 variant allele.
Comment: TG: BP4, BP7

Labcorp Genetics (formerly Invitae), Labcorp
Classification: Likely benign. Last evaluated: 2024-04-24. Review status: criteria provided, single submitter. Criteria: Invitae Variant Classification Sherloc (09022015). Collection method: clinical testing. Allele origin: germline.

NM_003235.5(TG):c.3534A>G (p.Pro1178=)

Gene: TG (thyroglobulin; plus strand). Cytogenetic location: 8q24.22.
Variant type: single nucleotide variant.
Coding change: c.3534A>G on transcript NM_003235.5 (MANE Select); coding-DNA position 3534, A replaced by G.
Protein change: p.Pro1178=; no amino-acid change (proline 1178 retained).
Molecular consequence: synonymous variant.
Genome position (GRCh38, 1-based): chr8:132,901,453, A>G. VCF-style: chr8-132901453-A-G. GRCh37 (hg19) VCF-style: chr8-133913698-A-G.
Identifiers: ClinVar variation 2898897 (VCV002898897.16), dbSNP rs150888797, ClinGen allele CA4883775.